The following is an entry in ClinVar:

NM_014874.4(MFN2):c.2244C>T (p.Phe748=)

Gene: MFN2 (mitofusin 2; plus strand). Cytogenetic location: 1p36.22.
Variant type: single nucleotide variant.
Coding change: c.2244C>T on transcript NM_014874.4 (MANE Select); coding-DNA position 2244, C replaced by T.
Protein change: p.Phe748=; no amino-acid change (phenylalanine 748 retained).
Molecular consequence: synonymous variant.
Genome position (GRCh38, 1-based): chr1:12,011,535, C>T. VCF-style: chr1-12011535-C-T. GRCh37 (hg19) VCF-style: chr1-12071592-C-T.
Other names: c.2244C>T, p.Phe748= (NM_001127660.2).
Identifiers: ClinVar variation 3393903 (VCV003393903.1).

ClinVar aggregate classification (germline): Uncertain significance (1 of 4 stars; one submission).

gnomAD v4.1: 2 of 1,614,124 alleles (0.00012%); highest among the groups gnomAD compares: Non-Finnish European, 0.00017%; no homozygotes.

Submission:

GeneDx
Classification: Uncertain significance. Last evaluated: 2024-07-06. Review status: criteria provided, single submitter. Criteria: GeneDx Variant Classification Process June 2021. Collection method: clinical testing. Allele origin: germline. Affected: yes.
Comment: Not observed at significant frequency in large population cohorts (gnomAD); In silico analysis indicates that this variant does not alter splicing; Has not been previously published as pathogenic or benign to our knowledge